The following is an entry in ClinVar:

ClinVar aggregate classification (germline): Uncertain significance. Review status: criteria provided, multiple submitters, no conflicts (2 of 4 stars). 2 submissions from 2 submitters: Uncertain significance (2). Last evaluated 2025-01-02.

Conditions:
Inborn genetic diseases. Identifiers: MedGen C0950123, MeSH D030342.
MHC class I deficiency. Identifiers: Orphanet 34592, MedGen C6024714, MONDO:0011476.

Allele frequency attached by ClinVar (database versions not stated): gnomAD exomes 0.00001 and below 0.00001; ExAC 0.00002; gnomAD 0.00001; TOPMed below 0.00001.
gnomAD v4.1: 3 of 1,612,958 alleles (0.00019%); highest among the groups gnomAD compares: Non-Finnish European, 0.00025%; no homozygotes.

Submissions (2):

Ambry Genetics
Classification: Uncertain significance for Inborn genetic diseases. Last evaluated: 2025-01-02. Review status: criteria provided, single submitter. Criteria: Ambry Variant Classification Scheme 2023. Collection method: clinical testing. Allele origin: germline.

Labcorp Genetics (formerly Invitae), Labcorp
Classification: Uncertain significance for MHC class I deficiency 1. Last evaluated: 2022-08-20. Review status: criteria provided, single submitter. Criteria: Invitae Variant Classification Sherloc (09022015). Collection method: clinical testing. Allele origin: germline.
Comment: This sequence change replaces alanine, which is neutral and non-polar, with threonine, which is neutral and polar, at codon 500 of the TAP2 protein (p.Ala500Thr). This variant is present in population databases (rs777959391, gnomAD 0.002%). This variant has not been reported in the literature in individuals affected with TAP2-related conditions. ClinVar contains an entry for this variant (Variation ID: 942187). Algorithms developed to predict the effect of missense changes on protein structure and function are either unavailable or do not agree on the potential impact of this missense change (SIFT: "Deleterious"; PolyPhen-2: "Not Available"; Align-GVGD: "Class C0"). In summary, the available evidence is currently insufficient to determine the role of this variant in disease. Therefore, it has been classified as a Variant of Uncertain Significance.

NM_001290043.2(TAP2):c.1498G>A (p.Ala500Thr)

Gene: TAP2 (transporter 2, ATP binding cassette subfamily B member; minus strand). Cytogenetic location: 6p21.32.
Variant type: single nucleotide variant.
Coding change: c.1498G>A on transcript NM_001290043.2 (MANE Select); coding-DNA position 1498, G replaced by A.
Protein change: p.Ala500Thr; replaces alanine 500 with threonine.
Molecular consequence: missense variant.
Genome position (GRCh38, 1-based): chr6:32,830,404, C>T on the plus strand (G>A on the coding strand, the complement: TAP2 is on the minus strand). VCF-style: chr6-32830404-C-T. GRCh37 (hg19) VCF-style: chr6-32798181-C-T.
Other names: c.1498G>A, p.Ala500Thr (NM_000544.3, NM_018833.3); short protein forms A500T.
Identifiers: ClinVar variation 942187 (VCV000942187.8), dbSNP rs777959391, ClinGen allele CA3745880.